The following is an entry in ClinVar:

ClinVar aggregate classification (germline): Likely benign (0 of 4 stars; one submission).

Conditions:
EP300-related disorder. Also called: EP300-related disorders; EP300-related condition.

Submission:

PreventionGenetics, part of Exact Sciences
Classification: Likely benign for EP300-related condition. Last evaluated: 2022-07-03. Review status: no assertion criteria provided. Collection method: clinical testing. Allele origin: germline.
Comment: This variant is classified as likely benign based on ACMG/AMP sequence variant interpretation guidelines (Richards et al. 2015 PMID: 25741868, with internal and published modifications).

NM_001429.4(EP300):c.4797C>T (p.Arg1599=)

Gene: EP300 (E1A binding protein p300; plus strand). Cytogenetic location: 22q13.2.
Variant type: single nucleotide variant.
Coding change: c.4797C>T on transcript NM_001429.4 (MANE Select); coding-DNA position 4797, C replaced by T.
Protein change: p.Arg1599=; no amino-acid change (arginine 1599 retained).
Molecular consequence: synonymous variant.
Genome position (GRCh38, 1-based): chr22:41,176,264, C>T. VCF-style: chr22-41176264-C-T. GRCh37 (hg19) VCF-style: chr22-41572268-C-T.
Other names: c.4719C>T, p.Arg1573= (NM_001362843.2).
Identifiers: ClinVar variation 3353586 (VCV003353586.1).